The following is an entry in ClinVar:

NM_000448.3(RAG1):c.*398G>A

Gene: RAG1 (recombination activating 1; plus strand). Cytogenetic location: 11p12.
Variant type: single nucleotide variant.
Coding change: c.*398G>A on transcript NM_000448.3 (MANE Select); 398 bases downstream of the stop codon, G replaced by A.
Molecular consequence: 3 prime UTR variant.
Genome position (GRCh38, 1-based): chr11:36,576,834, G>A. VCF-style: chr11-36576834-G-A. GRCh37 (hg19) VCF-style: chr11-36598384-G-A.
Other names: c.*398G>A (NM_001377277.1, NM_001377278.1, NM_001377279.1 and 1 more transcripts).
Identifiers: ClinVar variation 304514 (VCV000304514.5), dbSNP rs4151036, ClinGen allele CA10634784.

ClinVar aggregate classification (germline): Benign. Review status: criteria provided, single submitter (1 of 4 stars). 2 submissions from 1 submitter: Benign (2). Last evaluated 2018-01-13.

Conditions:
Histiocytic medullary reticulosis. Also called: SEVERE COMBINED IMMUNODEFICIENCY WITH HYPEREOSINOPHILIA; Omenn syndrome. Identifiers: Orphanet 39041, MedGen C2700553, MONDO:0011338, OMIM 603554.
Severe combined immunodeficiency, autosomal recessive, T cell-negative, B cell-negative, NK cell-positive. Also called: SCID, T CELL-NEGATIVE, B CELL-NEGATIVE, NK CELL-POSITIVE; SCID, AR, T-cell negative, B-cell negative, NK cell-positive; Severe combined immunodeficiency due to complete RAG1/2 deficiency. Identifiers: Orphanet 331206, MedGen C1832322, MONDO:0011086, OMIM 601457.

Allele frequency attached by ClinVar (database versions not stated): gnomAD exomes 0.00136; gnomAD 0.01302 and 0.01396; 1000 Genomes Project 0.01478; 1000 Genomes Project 30x 0.01530; TOPMed 0.01530.
gnomAD v4.1: 2,059 of 220,736 alleles (0.93%); highest among the groups gnomAD compares: African/African-American, 4.4%; 28 homozygotes.

Submissions (2):

Illumina Laboratory Services, Illumina
Classification: Benign for Histiocytic medullary reticulosis. Last evaluated: 2018-01-13. Review status: criteria provided, single submitter. Criteria: ICSL Variant Classification Criteria 13 December 2019. Collection method: clinical testing. Allele origin: germline.
Comment: This variant was observed in the ICSL laboratory as part of a predisposition screen in an ostensibly healthy population. It had not been previously curated by ICSL or reported in the Human Gene Mutation Database (HGMD: prior to June 1st, 2018), and was therefore a candidate for classification through an automated scoring system. Utilizing variant allele frequency, disease prevalence and penetrance estimates, and inheritance mode, an automated score was calculated to assess if this variant is too frequent to cause the disease. Based on the score and internal cut-off values, a variant classified as benign is not then subjected to further curation. The score for this variant resulted in a classification of benign for this disease.

Illumina Laboratory Services, Illumina
Classification: Benign for Severe combined immunodeficiency, autosomal recessive, T cell-negative, B cell-negative, NK cell-positive. Last evaluated: 2018-01-13. Review status: criteria provided, single submitter. Criteria: ICSL Variant Classification Criteria 13 December 2019. Collection method: clinical testing. Allele origin: germline.
Comment: the same text as in the submission from Illumina Laboratory Services, Illumina above.